The following is an entry in ClinVar:

ClinVar aggregate classification (germline): Uncertain significance (0 of 4 stars; one submission).

Conditions:
TWIST2-related disorder. Also called: TWIST2-related condition.

gnomAD v4.1: 1 of 1,443,528 alleles (0.000069%); highest among the groups gnomAD compares: African/African-American, 0.0015%; no homozygotes.

Submission:

PreventionGenetics, part of Exact Sciences
Classification: Uncertain significance for TWIST2-related condition. Last evaluated: 2024-06-10. Review status: no assertion criteria provided. Collection method: clinical testing. Allele origin: germline.
Comment: The TWIST2 c.13T>A variant is predicted to result in the amino acid substitution p.Ser5Thr. To our knowledge, this variant has not been reported in the literature or in a large population database, indicating this variant is rare. At this time, the clinical significance of this variant is uncertain due to the absence of conclusive functional and genetic evidence.

NM_001271893.4(TWIST2):c.13T>A (p.Ser5Thr)

Gene: TWIST2 (twist family bHLH transcription factor 2; plus strand). Cytogenetic location: 2q37.3.
Variant type: single nucleotide variant.
Coding change: c.13T>A on transcript NM_001271893.4 (MANE Select); coding-DNA position 13, T replaced by A.
Protein change: p.Ser5Thr; replaces serine 5 with threonine.
Molecular consequence: missense variant.
Genome position (GRCh38, 1-based): chr2:238,848,228, T>A. VCF-style: chr2-238848228-T-A. GRCh37 (hg19) VCF-style: chr2-239756869-T-A.
Other names: c.13T>A, p.Ser5Thr (NM_057179.3); short protein forms S5T.
Identifiers: ClinVar variation 3357087 (VCV003357087.1).